The following is an entry in ClinVar:

ClinVar aggregate classification (germline): Uncertain significance (1 of 4 stars; one submission).

Allele frequency attached by ClinVar (database versions not stated): gnomAD exomes below 0.00001; ExAC 0.00002.
gnomAD v4.1: 5 of 1,543,506 alleles (0.00032%); highest among the groups gnomAD compares: Non-Finnish European, 0.00044%; no homozygotes.

Submission:

Labcorp Genetics (formerly Invitae), Labcorp
Classification: Uncertain significance. Last evaluated: 2022-05-03. Review status: criteria provided, single submitter. Criteria: Invitae Variant Classification Sherloc (09022015). Collection method: clinical testing. Allele origin: germline.
Comment: This variant has not been reported in the literature in individuals affected with RMND1-related conditions. In summary, the available evidence is currently insufficient to determine the role of this variant in disease. Therefore, it has been classified as a Variant of Uncertain Significance. Algorithms developed to predict the effect of missense changes on protein structure and function (SIFT, PolyPhen-2, Align-GVGD) all suggest that this variant is likely to be tolerated. This variant is present in population databases (rs746355833, gnomAD 0.002%). This sequence change replaces lysine, which is basic and polar, with threonine, which is neutral and polar, at codon 324 of the RMND1 protein (p.Lys324Thr).

NM_017909.4(RMND1):c.971A>C (p.Lys324Thr)

Gene: RMND1 (required for meiotic nuclear division 1 homolog; minus strand). Cytogenetic location: 6q25.1.
Variant type: single nucleotide variant.
Coding change: c.971A>C on transcript NM_017909.4 (MANE Select); coding-DNA position 971, A replaced by C.
Protein change: p.Lys324Thr; replaces lysine 324 with threonine.
Molecular consequence: missense variant.
Genome position (GRCh38, 1-based): chr6:151,422,572, T>G on the plus strand (A>C on the coding strand, the complement: RMND1 is on the minus strand). VCF-style: chr6-151422572-T-G. GRCh37 (hg19) VCF-style: chr6-151743707-T-G.
Other names: c.461A>C, p.Lys154Thr (NM_001271937.2); short protein forms K324T, K154T.
Identifiers: ClinVar variation 2133216 (VCV002133216.4), dbSNP rs746355833, ClinGen allele CA4050850.